The following is an entry in ClinVar:

NM_014249.4(NR2E3):c.98G>T (p.Gly33Val)

Gene: NR2E3 (nuclear receptor subfamily 2 group E member 3; plus strand). Cytogenetic location: 15q23.
Variant type: single nucleotide variant.
Coding change: c.98G>T on transcript NM_014249.4 (MANE Select); coding-DNA position 98, G replaced by T.
Protein change: p.Gly33Val; replaces glycine 33 with valine.
Molecular consequence: missense variant.
Genome position (GRCh38, 1-based): chr15:71,810,841, G>T. VCF-style: chr15-71810841-G-T. GRCh37 (hg19) VCF-style: chr15-72103181-G-T.
Other names: c.98G>T, p.Gly33Val (NM_016346.4); short protein forms G33V.
Identifiers: ClinVar variation 2996674 (VCV002996674.3), dbSNP rs2543252255, ClinGen allele CA393031795.

ClinVar aggregate classification (germline): Uncertain significance (1 of 4 stars; one submission).

Submission:

Labcorp Genetics (formerly Invitae), Labcorp
Classification: Uncertain significance. Last evaluated: 2023-09-28. Review status: criteria provided, single submitter. Criteria: Invitae Variant Classification Sherloc (09022015). Collection method: clinical testing. Allele origin: germline.
Comment: This sequence change replaces glycine, which is neutral and non-polar, with valine, which is neutral and non-polar, at codon 33 of the NR2E3 protein (p.Gly33Val). In summary, the available evidence is currently insufficient to determine the role of this variant in disease. Therefore, it has been classified as a Variant of Uncertain Significance. Advanced modeling of protein sequence and biophysical properties (such as structural, functional, and spatial information, amino acid conservation, physicochemical variation, residue mobility, and thermodynamic stability) performed at Invitae indicates that this missense variant is not expected to disrupt NR2E3 protein function. This variant has not been reported in the literature in individuals affected with NR2E3-related conditions. This variant is not present in population databases (gnomAD no frequency).